The following is an entry in ClinVar:

ClinVar aggregate classification (germline): Likely pathogenic. Review status: reviewed by expert panel (3 of 4 stars). 3 submissions from 3 submitters: Likely pathogenic (1). 2 of the submissions do not count toward it. Last evaluated 2026-09-26.

Conditions:
Juvenile retinoschisis (RS1). Also called: X-Linked Juvenile Retinoschisis; X-linked retinoschisis. Identifiers: Orphanet 792, MedGen C3714753, MONDO:0010725, OMIM 312700.

Submissions (3):

ClinGen X-linked Inherited Retinal Disease Variant Curation Expert Panel, ClinGen
Classification: Likely pathogenic for Juvenile retinoschisis. Last evaluated: 2026-09-26. Review status: reviewed by expert panel. Criteria: ClinGen X LinkedIRD ACMG Specifications RS1 V1.0.0. Collection method: curation. Allele origin: germline. Inheritance: X-linked inheritance.
Comment: The NM_000330.4(RS1): c.330T>A variant is a nonsense variant in amino acid 110, which results in a premature stop codon and initiates the nonsense-mediated decay pathway. This variant is absent from hemizygous individuals in gnomAD v4.1.0 (PM2_Supporting). This is a nonsense variant that introduces a premature stop codon between amino acids 1-223 that is predicted to either trigger nonsense-mediated decay or to disrupt a critical C-terminal region required for proper multimerization of RS1 (PVS1, PMID: 19849666). The variant has been reported to segregate with retinal dystrophy through 1 meiosis in a family [two affected brothers]. (PP1; PMID: 30652005). This variant has been reported in at least 1 proband meeting the PS4 requirement of retinoschisis (PMID: 10636421, 30652005). PS4_Supporting requires at least 2 unrelated probands, so this criterion was not met. In summary, this variant is classified as pathogenic for X-linked retinoschisis based on the ClinGen X-linked Inherited Retinal Disease Expert Panel Specifications to the ACMG/AMP Variant Interpretation Guidelines for RS1 Version 1.0.0: PM2_supporting, PVS1, and PP1.

Labcorp Genetics (formerly Invitae), Labcorp
Classification: Pathogenic. Last evaluated: 2019-08-15. Review status: criteria provided, single submitter. Criteria: Invitae Variant Classification Sherloc (09022015). Collection method: clinical testing. Allele origin: germline. Not counted in ClinVar's aggregate classification.
Comment: For these reasons, this variant has been classified as Pathogenic. Loss-of-function variants in RS1 are known to be pathogenic (PMID: 9618178, 17172462). Algorithms developed to predict the effect of sequence changes on RNA splicing suggest that this variant may create or strengthen a splice site, but this prediction has not been confirmed by published transcriptional studies. This variant has been observed in individuals affected with X-linked congenital retinoschisis (PMID: 10636421, 30652005). ClinVar contains an entry for this variant (Variation ID: 98939). This variant is not present in population databases (ExAC no frequency). This sequence change creates a premature translational stop signal (p.Cys110*) in the RS1 gene. It is expected to result in an absent or disrupted protein product.

Retina International
No classification provided. Review status: no classification provided. Collection method: not provided. Allele origin: unknown. Not counted in ClinVar's aggregate classification.

Literature cited by the submitters: PubMed 9618178 (cited by Labcorp Genetics (formerly Invitae), Labcorp); PubMed 17172462 (cited by Labcorp Genetics (formerly Invitae), Labcorp); PubMed 10636421 (cited by Labcorp Genetics (formerly Invitae), Labcorp); PubMed 30652005 (cited by Labcorp Genetics (formerly Invitae), Labcorp).

NM_000330.4(RS1):c.330T>A (p.Cys110Ter)

Genes: CDKL5 (cyclin dependent kinase like 5; plus strand), RS1 (retinoschisin 1; minus strand). Cytogenetic location: Xp22.13.
Variant type: single nucleotide variant.
Coding change: c.330T>A on transcript NM_000330.4 (MANE Select); coding-DNA position 330, T replaced by A.
Protein change: p.Cys110Ter; replaces cysteine 110 with a stop codon.
Molecular consequence: nonsense. On other transcripts: intron variant (2).
Genome position (GRCh38, 1-based): chrX:18,644,622, A>T on the plus strand (T>A on the coding strand, the complement: RS1 is on the minus strand). VCF-style: chrX-18644622-A-T. GRCh37 (hg19) VCF-style: chrX-18662742-A-T.
Other names: NM_000330.4(RS1):c.330T>A; p.Cys110Ter; c.2714-1385A>T (NM_003159.3, NM_001037343.2); short protein forms C110*.
Identifiers: ClinVar variation 98939 (VCV000098939.12), dbSNP rs1801161, ClinGen allele CA226688.